The following is an entry in ClinVar:

NM_001034853.2(RPGR):c.2609A>G (p.Glu870Gly)

Gene: RPGR (retinitis pigmentosa GTPase regulator; minus strand). Cytogenetic location: Xp11.4.
Variant type: single nucleotide variant.
Coding change: c.2609A>G on transcript NM_001034853.2 (MANE Select); coding-DNA position 2609, A replaced by G.
Protein change: p.Glu870Gly; replaces glutamic acid 870 with glycine.
Molecular consequence: missense variant. On other transcripts: intron variant (8).
Genome position (GRCh38, 1-based): chrX:38,286,390, T>C on the plus strand (A>G on the coding strand, the complement: RPGR is on the minus strand). VCF-style: chrX-38286390-T-C. GRCh37 (hg19) VCF-style: chrX-38145643-T-C.
Other names: c.1569+4569A>G (NM_001367249.1, NM_001367250.1); c.1902+704A>G (NM_001367245.1); c.1386+4569A>G (NM_001367251.1); c.1719+704A>G (NM_001367246.1); c.1572+4569A>G (NM_001367247.1); c.1905+704A>G (NM_000328.3); c.1602+4569A>G (NM_001367248.1); short protein forms E870G.
Identifiers: ClinVar variation 2917403 (VCV002917403.3), dbSNP rs1343966503, ClinGen allele CA412730233.

ClinVar aggregate classification (germline): Uncertain significance (1 of 4 stars; one submission).

Conditions:
Primary ciliary dyskinesia. Also called: Ciliary dyskinesia. Identifiers: Orphanet 244, MedGen C0008780, MONDO:0016575, HP:0012265.

Allele frequency attached by ClinVar (database versions not stated): gnomAD exomes below 0.00001.
gnomAD v4.1: 1 of 893,740 alleles (0.00011%); highest among the groups gnomAD compares: Admixed American, 0.0046%; no homozygotes.

Submission:

Labcorp Genetics (formerly Invitae), Labcorp
Classification: Uncertain significance for Primary ciliary dyskinesia. Last evaluated: 2024-12-12. Review status: criteria provided, single submitter. Criteria: Invitae Variant Classification Sherloc (09022015). Collection method: clinical testing. Allele origin: germline.
Comment: This sequence change replaces glutamic acid, which is acidic and polar, with glycine, which is neutral and non-polar, at codon 870 of the RPGR (ORF15) protein (p.Glu870Gly). The frequency data for this variant in the population databases is considered unreliable, as metrics indicate poor data quality at this position in the gnomAD database. This variant has not been reported in the literature in individuals affected with RPGR (ORF15)-related conditions. ClinVar contains an entry for this variant (Variation ID: 2917403). Invitae Evidence Modeling of protein sequence and biophysical properties (such as structural, functional, and spatial information, amino acid conservation, physicochemical variation, residue mobility, and thermodynamic stability) indicates that this missense variant is not expected to disrupt RPGR (ORF15) protein function with a negative predictive value of 95%. In summary, the available evidence is currently insufficient to determine the role of this variant in disease. Therefore, it has been classified as a Variant of Uncertain Significance.